The following is an entry in ClinVar:

NM_003906.5(MCM3AP):c.3510G>T (p.Gln1170His)

Gene: MCM3AP (minichromosome maintenance complex component 3 associated protein; minus strand). Cytogenetic location: 21q22.3.
Variant type: single nucleotide variant.
Coding change: c.3510G>T on transcript NM_003906.5 (MANE Select); coding-DNA position 3510, G replaced by T.
Protein change: p.Gln1170His; replaces glutamine 1170 with histidine.
Molecular consequence: missense variant.
Genome position (GRCh38, 1-based): chr21:46,260,864, C>A on the plus strand (G>T on the coding strand, the complement: MCM3AP is on the minus strand). VCF-style: chr21-46260864-C-A. GRCh37 (hg19) VCF-style: chr21-47680778-C-A.
Other names: c.3510G>T (NM_003906.3); short protein forms Q1170H.
Identifiers: ClinVar variation 1599684 (VCV001599684.34), dbSNP rs147505610, ClinGen allele CA10076473.
Genomic context (GRCh38, chr21:46,260,864, plus strand): 5'-GGAGCAGGTTTCCCTCACAAACTCCATCATCACGCGTTCCATCAGCTCCACGGCCAGGCC[C>A]TGGCTCAGCTCACTTAACACCAGCTCTCTCTCTTGTTTCAACCTACAGGGAAGAGAAAAA-3'
Protein context (NP_003897.2, residues 1160-1180): ERELVLSELS[Gln1170His]GLAVELMERV

ClinVar aggregate classification (germline): Benign/Likely benign. Review status: criteria provided, multiple submitters, no conflicts (2 of 4 stars). 4 submissions from 4 submitters: Benign (2); Likely benign (2). Last evaluated 2025-12-01.

Conditions:
Inborn genetic diseases. Identifiers: MedGen C0950123, MeSH D030342.

Allele frequency attached by ClinVar (database versions not stated): gnomAD 0.00002 and 0.00028; TOPMed 0.00007; ESP Exome Variant Server 0.00008; gnomAD exomes 0.00053 and 0.00117; ExAC 0.00127; 1000 Genomes Project 0.00280; 1000 Genomes Project 30x 0.00281.
gnomAD v4.1: 826 of 1,614,160 alleles (0.051%); highest among the groups gnomAD compares: South Asian, 0.83%; 11 homozygotes.

Submissions (4):

Labcorp Genetics (formerly Invitae), Labcorp
Classification: Benign. Last evaluated: 2025-12-01. Review status: criteria provided, single submitter. Criteria: Invitae Variant Classification Sherloc (09022015). Collection method: clinical testing. Allele origin: germline.

Ambry Genetics
Classification: Likely benign for Inborn genetic diseases. Last evaluated: 2024-08-20. Review status: criteria provided, single submitter. Criteria: Ambry Variant Classification Scheme 2023. Collection method: clinical testing. Allele origin: germline.

CeGaT Center for Human Genetics Tuebingen
Classification: Likely benign. Last evaluated: 2023-03-01. Review status: criteria provided, single submitter. Criteria: CeGaT Center For Human Genetics Tuebingen Variant Classification Criteria Version 2. Collection method: clinical testing. Allele origin: germline. Affected: yes. Observed: 1 variant allele.
Comment: MCM3AP: BP4, BS2

Breakthrough Genomics
Classification: Benign. Review status: criteria provided, single submitter. Criteria: ACMG Guidelines, 2015. Collection method: not provided. Allele origin: germline. Inheritance: Autosomal recessive inheritance. Affected: yes.